The following is an entry in ClinVar:

ClinVar aggregate classification (germline): Uncertain significance (1 of 4 stars; one submission).

Conditions:
Hereditary cancer-predisposing syndrome. Also called: Hereditary neoplastic syndrome; Neoplastic Syndromes, Hereditary; Tumor predisposition; Hereditary Cancer Syndrome. Identifiers: Orphanet 140162, MedGen C0027672, MeSH D009386, MONDO:0015356.

Submission:

Ambry Genetics
Classification: Uncertain significance for Hereditary cancer-predisposing syndrome. Last evaluated: 2025-07-21. Review status: criteria provided, single submitter. Criteria: Ambry Variant Classification Scheme 2023. Collection method: clinical testing. Allele origin: germline.
Comment: The p.S469P variant (also known as c.1405T>C), located in coding exon 15 of the RB1 gene, results from a T to C substitution at nucleotide position 1405. The serine at codon 469 is replaced by proline, an amino acid with similar properties. This amino acid position is well conserved in available vertebrate species. Based on the available evidence, the clinical significance of this variant remains unclear.

NM_000321.3(RB1):c.1405T>C (p.Ser469Pro)

Gene: RB1 (RB transcriptional corepressor 1; plus strand). Cytogenetic location: 13q14.2.
Variant type: single nucleotide variant.
Coding change: c.1405T>C on transcript NM_000321.3 (MANE Select); coding-DNA position 1405, T replaced by C.
Protein change: p.Ser469Pro; replaces serine 469 with proline.
Molecular consequence: missense variant.
Genome position (GRCh38, 1-based): chr13:48,380,068, T>C. VCF-style: chr13-48380068-T-C. GRCh37 (hg19) VCF-style: chr13-48954204-T-C.
Other names: c.1405T>C, p.Ser469Pro (NM_001407165.1, NM_001407166.1); short protein forms S469P.
Identifiers: ClinVar variation 4151187 (VCV004151187.1).